The following is an entry in ClinVar:

ClinVar aggregate classification (germline): Uncertain significance. Review status: criteria provided, multiple submitters, no conflicts (2 of 4 stars). 2 submissions from 2 submitters: Uncertain significance (2). Last evaluated 2023-03-01.

Conditions:
Inborn genetic diseases. Identifiers: MedGen C0950123, MeSH D030342.

Allele frequency attached by ClinVar (database versions not stated): gnomAD exomes 0.00001; ExAC 0.00004.

Submissions (2):

Ambry Genetics
Classification: Uncertain significance for Inborn genetic diseases. Last evaluated: 2023-03-01. Review status: criteria provided, single submitter. Criteria: Ambry Variant Classification Scheme 2023. Collection method: clinical testing. Allele origin: germline.

Labcorp Genetics (formerly Invitae), Labcorp
Classification: Uncertain significance. Last evaluated: 2022-08-23. Review status: criteria provided, single submitter. Criteria: Invitae Variant Classification Sherloc (09022015). Collection method: clinical testing. Allele origin: germline.
Comment: In summary, the available evidence is currently insufficient to determine the role of this variant in disease. Therefore, it has been classified as a Variant of Uncertain Significance. Algorithms developed to predict the effect of missense changes on protein structure and function (SIFT, PolyPhen-2, Align-GVGD) all suggest that this variant is likely to be disruptive. This variant has not been reported in the literature in individuals affected with DSG1-related conditions. This variant is present in population databases (rs765321619, gnomAD 0.03%). This sequence change replaces arginine, which is basic and polar, with glycine, which is neutral and non-polar, at codon 897 of the DSG1 protein (p.Arg897Gly).

NM_001942.4(DSG1):c.2689A>G (p.Arg897Gly)

Genes: DSG1 (desmoglein 1; plus strand), DSG1-AS1 (DSG1 antisense RNA 1; minus strand). Cytogenetic location: 18q12.1.
Variant type: single nucleotide variant.
Coding change: c.2689A>G on transcript NM_001942.4 (MANE Select); coding-DNA position 2689, A replaced by G.
Protein change: p.Arg897Gly; replaces arginine 897 with glycine.
Molecular consequence: missense variant.
Genome position (GRCh38, 1-based): chr18:31,354,885, A>G. VCF-style: chr18-31354885-A-G. GRCh37 (hg19) VCF-style: chr18-28934848-A-G.
Other names: c.2689A>G (NM_001942.2); short protein forms R897G.
Identifiers: ClinVar variation 1717884 (VCV001717884.7), dbSNP rs765321619, ClinGen allele CA8926429.
Genomic context (GRCh38, chr18:31,354,885, plus strand): 5'-TTGCATGGAATGTTAGAGATGCCTGACTTGCGAGATGGGTCGAATGTTATAGTGACAGAA[A>G]GGGTAATAGCACCAAGCTCTAGTCTACCCACCTCTCTGACTATCCATCATCCTAGAGAGT-3'
Protein context (NP_001933.2, residues 887-907): RDGSNVIVTE[Arg897Gly]VIAPSSSLPT